The following is an entry in ClinVar:

NM_033087.4(ALG2):c.367G>A (p.Val123Met)

Gene: ALG2 (ALG2 alpha-1,3/1,6-mannosyltransferase; minus strand). Cytogenetic location: 9q22.33.
Variant type: single nucleotide variant.
Coding change: c.367G>A on transcript NM_033087.4 (MANE Select); coding-DNA position 367, G replaced by A.
Protein change: p.Val123Met; replaces valine 123 with methionine.
Molecular consequence: missense variant. On other transcripts: non-coding transcript variant (1).
Genome position (GRCh38, 1-based): chr9:99,218,818, C>T on the plus strand (G>A on the coding strand, the complement: ALG2 is on the minus strand). VCF-style: chr9-99218818-C-T. GRCh37 (hg19) VCF-style: chr9-101981100-C-T.
Other names: short protein forms V123M.
Identifiers: ClinVar variation 1041393 (VCV001041393.7), dbSNP rs1828745406, ClinGen allele CA374229861.

ClinVar aggregate classification (germline): Uncertain significance (1 of 4 stars; one submission).

Conditions:
Congenital myasthenic syndrome 14. Also called: Myasthenic syndrome, congenital, 14, with tubular aggregates. Identifiers: Orphanet 353327, Orphanet 590, MedGen C4015597, MONDO:0014543, OMIM 616228.
Congenital disorder of glycosylation, type Ii. Also called: ALG2-CDG; CDG Ii; ALG2-congenital disorder of glycosylation. Identifiers: Orphanet 79326, MedGen C1842836, MONDO:0011933, OMIM 607906.

Submission:

Labcorp Genetics (formerly Invitae), Labcorp
Classification: Uncertain significance for Congenital disorder of glycosylation, type Ii; Congenital myasthenic syndrome 14. Last evaluated: 2020-08-19. Review status: criteria provided, single submitter. Criteria: Invitae Variant Classification Sherloc (09022015). Collection method: clinical testing. Allele origin: germline.
Comment: This sequence change replaces valine with methionine at codon 123 of the ALG2 protein (p.Val123Met). The valine residue is moderately conserved and there is a small physicochemical difference between valine and methionine. In summary, the available evidence is currently insufficient to determine the role of this variant in disease. Therefore, it has been classified as a Variant of Uncertain Significance. Algorithms developed to predict the effect of missense changes on protein structure and function are either unavailable or do not agree on the potential impact of this missense change (SIFT: "Deleterious"; PolyPhen-2: "Possibly Damaging"; Align-GVGD: "Class C0"). This variant has not been reported in the literature in individuals with ALG2-related conditions. This variant is not present in population databases (ExAC no frequency).